The following is an entry in ClinVar:

NM_007194.4(CHEK2):c.-11A>G

Gene: CHEK2 (checkpoint kinase 2; minus strand). Cytogenetic location: 22q12.1.
Variant type: single nucleotide variant.
Coding change: c.-11A>G on transcript NM_007194.4 (MANE Select); 11 bases upstream of the start codon, A replaced by G.
Molecular consequence: 5 prime UTR variant.
Genome position (GRCh38, 1-based): chr22:28,741,773, T>C on the plus strand (A>G on the coding strand, the complement: CHEK2 is on the minus strand). VCF-style: chr22-28741773-T-C. GRCh37 (hg19) VCF-style: chr22-29137761-T-C.
Other names: c.-11A>G (NM_001005735.3, NM_001349956.3, NM_145862.3); c.-788A>G (NM_001257387.3).
Identifiers: ClinVar variation 510509 (VCV000510509.1), dbSNP rs554107994, ClinGen allele CA323003020.
Genomic context (GRCh38, chr22:28,741,773, plus strand): 5'-CTTAAGATGGGATTCGAACCACCAAACACCCAACAGAAGTTCCCCATATGACTCACCGCG[T>C]GAGCCCACCTGGAGCCGCACACTCTCCGCAGCCTCAGCCAGCAGAGTGGCGCTAAACCTG-3'

ClinVar aggregate classification (germline): Likely benign (1 of 4 stars; one submission).

Allele frequency attached by ClinVar (database versions not stated): gnomAD 0.00002; TOPMed 0.00003; gnomAD exomes 0.00001.
gnomAD v4.1: 6 of 445,438 alleles (0.0013%); highest among the groups gnomAD compares: African/African-American, 0.0079%; no homozygotes.

Submission:

GeneDx
Classification: Likely benign. Last evaluated: 2017-06-27. Review status: criteria provided, single submitter. Criteria: GeneDx Variant Classification (06012015). Collection method: clinical testing. Allele origin: germline. Affected: yes.
Comment: This variant is considered likely benign or benign based on one or more of the following criteria: it is a conservative change, it occurs at a poorly conserved position in the protein, it is predicted to be benign by multiple in silico algorithms, and/or has population frequency not consistent with disease.